The following is an entry in ClinVar:

NM_000138.5(FBN1):c.4046G>C (p.Ser1349Thr)

Gene: FBN1 (fibrillin 1; minus strand). Cytogenetic location: 15q21.1.
Variant type: single nucleotide variant.
Coding change: c.4046G>C on transcript NM_000138.5 (MANE Select); coding-DNA position 4046, G replaced by C.
Protein change: p.Ser1349Thr; replaces serine 1349 with threonine.
Molecular consequence: missense variant.
Genome position (GRCh38, 1-based): chr15:48,474,569, C>G on the plus strand (G>C on the coding strand, the complement: FBN1 is on the minus strand). VCF-style: chr15-48474569-C-G. GRCh37 (hg19) VCF-style: chr15-48766766-C-G.
Other names: short protein forms S1349T.
Identifiers: ClinVar variation 549202 (VCV000549202.5), dbSNP rs1373690375, ClinGen allele CA392320485.

ClinVar aggregate classification (germline): Conflicting classifications of pathogenicity. Review status: criteria provided, conflicting classifications (1 of 4 stars). 4 submissions from 4 submitters: Uncertain significance (2); Likely benign (1). 1 of the submissions does not count toward it. Last evaluated 2025-03-17.

Conditions:
Familial thoracic aortic aneurysm and aortic dissection (TAAD). Also called: Thoracic aortic aneurysms and dissections. Identifiers: Orphanet 91387, MedGen C4707243, MONDO:0019625.
Marfan syndrome (MFS). Also called: Marfan syndrome type 1; Marfan syndrome, classic; Marfan's syndrome; FBN1-Related Marfan Syndrome; MARFAN SYNDROME, TYPE I. Identifiers: Orphanet 284963, Orphanet 558, MedGen C0024796, MONDO:0007947, OMIM 154700.

Allele frequency attached by ClinVar (database versions not stated): gnomAD exomes below 0.00001; gnomAD 0.00001.
gnomAD v4.1: 1 of 1,614,084 alleles (0.000062%); highest among the groups gnomAD compares: Non-Finnish European, 0.000085%; no homozygotes.

Submissions (4):

GeneDx
Classification: Uncertain significance. Last evaluated: 2025-03-17. Review status: criteria provided, single submitter. Criteria: GeneDx Variant Classification Process June 2021. Collection method: clinical testing. Allele origin: germline. Affected: yes.
Comment: Not observed at significant frequency in large population cohorts (gnomAD); In silico analysis indicates that this missense variant does not alter protein structure/function; Has not been previously published as pathogenic or benign to our knowledge; Does not affect a cysteine or calcium-binding residue within an EGF-like domain or a TGF-binding protein domain of the FBN1 gene; cysteine substitutions in the EGF-like domains represent the majority of pathogenic missense changes associated with FBN1-related disorders (PMID: 12938084); This variant is associated with the following publications: (PMID: 12938084)

Labcorp Genetics (formerly Invitae), Labcorp
Classification: Likely benign for Marfan syndrome; Familial thoracic aortic aneurysm and aortic dissection. Last evaluated: 2025-01-25. Review status: criteria provided, single submitter. Criteria: Invitae Variant Classification Sherloc (09022015). Collection method: clinical testing. Allele origin: germline.

All of Us Research Program, National Institutes of Health
Classification: Uncertain significance for Marfan syndrome. Last evaluated: 2023-06-28. Review status: criteria provided, single submitter. Criteria: ACMG Guidelines, 2015. Collection method: clinical testing. Allele origin: germline. Inheritance: Autosomal dominant inheritance. Observed: 1 variant allele, 1 heterozygote.
Comment: This study involves interpretation of variants in research participants for the purpose of population health screening. Participant phenotype was not available at the time of variant classification. Additional details can be found in publication PMID: 35346344, PMCID: PMC8962531

Center for Medical Genetics Ghent, University of Ghent
Classification: Uncertain significance for Marfan syndrome. Last evaluated: 2017-11-07. Review status: no assertion criteria provided. Collection method: clinical testing. Allele origin: germline. Affected: yes. Not counted in ClinVar's aggregate classification.